The following is an entry in ClinVar:

NM_139318.5(KCNH5):c.2527G>A (p.Asp843Asn)

Gene: KCNH5 (potassium voltage-gated channel subfamily H member 5; minus strand). Cytogenetic location: 14q23.2.
Variant type: single nucleotide variant.
Coding change: c.2527G>A on transcript NM_139318.5 (MANE Select); coding-DNA position 2527, G replaced by A.
Protein change: p.Asp843Asn; replaces aspartic acid 843 with asparagine.
Molecular consequence: missense variant. On other transcripts: 3 prime UTR variant (1).
Genome position (GRCh38, 1-based): chr14:62,707,948, C>T on the plus strand (G>A on the coding strand, the complement: KCNH5 is on the minus strand). VCF-style: chr14-62707948-C-T. GRCh37 (hg19) VCF-style: chr14-63174666-C-T.
Other names: c.*494G>A (NM_172375.3); short protein forms D843N.
Identifiers: ClinVar variation 3700680 (VCV003700680.2).
Genomic context (GRCh38, chr14:62,707,948, plus strand): 5'-AATCTGTTTTTCTTAGTGGGTTTTTGGTCACACTGTTCTCTGAATCACTGCTCTTGGGGT[C>T]CTCAGACAATAGCCCCATTGACTCAGCTTTAGTGACATTATTCCAGTCTTCCTTTTTCTC-3'
Protein context (NP_647479.2, residues 833-853): KAESMGLLSE[Asp843Asn]PKSSDSENSV

ClinVar aggregate classification (germline): Uncertain significance (1 of 4 stars; one submission).

Conditions:
Early-infantile DEE. Also called: Early infantile epileptic encephalopathy with suppression bursts; Early infantile epileptic encephalopathy; Ohtahara syndrome. Identifiers: Orphanet 1934, MedGen C0393706, MONDO:0800491.

gnomAD v4.1: 1 of 1,614,178 alleles (0.000062%); highest among the groups gnomAD compares: Non-Finnish European, 0.000085%; no homozygotes.

Submission:

Labcorp Genetics (formerly Invitae), Labcorp
Classification: Uncertain significance for Early-infantile DEE. Last evaluated: 2024-11-13. Review status: criteria provided, single submitter. Criteria: Invitae Variant Classification Sherloc (09022015). Collection method: clinical testing. Allele origin: germline.
Comment: This sequence change replaces aspartic acid, which is acidic and polar, with asparagine, which is neutral and polar, at codon 843 of the KCNH5 protein (p.Asp843Asn). This variant is present in population databases (no rsID available, gnomAD 0.0009%). This variant has not been reported in the literature in individuals affected with KCNH5-related conditions. Invitae Evidence Modeling of protein sequence and biophysical properties (such as structural, functional, and spatial information, amino acid conservation, physicochemical variation, residue mobility, and thermodynamic stability) indicates that this missense variant is not expected to disrupt KCNH5 protein function with a negative predictive value of 95%. In summary, the available evidence is currently insufficient to determine the role of this variant in disease. Therefore, it has been classified as a Variant of Uncertain Significance.